The following is an entry in ClinVar:

NM_000061.3(BTK):c.1908+2dup

Gene: BTK (Bruton tyrosine kinase; minus strand). Cytogenetic location: Xq22.1.
Variant type: Duplication.
Coding change: c.1908+2dup on transcript NM_000061.3 (MANE Select); the canonical splice donor site of the intron after coding-DNA position 1908, one base duplicated (T; older notation c.1908+2dupT).
Molecular consequence: splice donor variant.
Genome position (GRCh38, 1-based): chrX:101,353,192, A duplicated on the plus strand (T on the coding strand, the reverse complement: BTK is on the minus strand). VCF-style (leftmost placement, unchanged base first): chrX-101353191-T-TA. GRCh37 (hg19) VCF-style: chrX-100608179-T-TA.
Other names: c.2010+2dup (NM_001287344.2); c.1380+2dup (NM_001287345.2).
Identifiers: ClinVar variation 2072908 (VCV002072908.4), dbSNP rs2520526514, ClinGen allele CA2580100130.
Genomic context (GRCh38, chrX:101,353,191, plus strand): 5'-GGCCAGCTAAATGGGCAAGTAGATTCAAGGAAATAATTTAAGAGATCCTAATAAAGCACT[T>TA]ACCTCATGCCAGCAACTGTACATGATGGTATATACCTTCTCTGAAGCCAGATGAGGCCTG-3'

ClinVar aggregate classification (germline): Likely pathogenic (1 of 4 stars; one submission).

Conditions:
X-linked agammaglobulinemia with growth hormone deficiency (IGHD3). Also called: Isolated growth hormone deficiency type 3; Growth hormone deficiency with hypogammaglobulinemia; AGAMMAGLOBULINEMIA AND ISOLATED GROWTH HORMONE DEFICIENCY, X-LINKED; ISOLATED GROWTH HORMONE DEFICIENCY, TYPE III, WITH AGAMMAGLOBULINEMIA; FLEISHER SYNDROME; HYPOGAMMAGLOBULINEMIA AND ISOLATED GROWTH HORMONE DEFICIENCY, X-LINKED. Identifiers: Orphanet 231692, Orphanet 631, MedGen C0472813, MONDO:0010615, OMIM 307200.

Submission:

Labcorp Genetics (formerly Invitae), Labcorp
Classification: Likely pathogenic for X-linked agammaglobulinemia with growth hormone deficiency. Last evaluated: 2022-05-27. Review status: criteria provided, single submitter. Criteria: Invitae Variant Classification Sherloc (09022015). Collection method: clinical testing. Allele origin: germline.
Comment: This variant is not present in population databases (gnomAD no frequency). In summary, the currently available evidence indicates that the variant is pathogenic, but additional data are needed to prove that conclusively. Therefore, this variant has been classified as Likely Pathogenic. Variants that disrupt the consensus splice site are a relatively common cause of aberrant splicing (PMID: 17576681, 9536098). Algorithms developed to predict the effect of sequence changes on RNA splicing suggest that this variant may disrupt the consensus splice site. This variant has been observed in individual(s) with clinical features of X-linked agammaglobulinemia (Invitae). It has also been observed to segregate with disease in related individuals. This sequence change falls in intron 18 of the BTK gene. It does not directly change the encoded amino acid sequence of the BTK protein. It affects a nucleotide within the consensus splice site.

Literature cited by the submitters: PubMed 17576681; PubMed 9536098.